The following is an entry in ClinVar:

ClinVar aggregate classification (germline): Uncertain significance (1 of 4 stars; one submission).

Conditions:
Primary dilated cardiomyopathy (DCM). Also called: Dilated Cardiomyopathy. Identifiers: Orphanet 217604, MedGen C0007193, MeSH D002311, MONDO:0005021, HP:0001644. Inheritance: Various modes of inheritance.

Allele frequency attached by ClinVar (database versions not stated): gnomAD 0.00001.
gnomAD v4.1: 1 of 1,605,830 alleles (0.000062%); highest among the groups gnomAD compares: African/African-American, 0.0013%; no homozygotes.

Submission:

Labcorp Genetics (formerly Invitae), Labcorp
Classification: Uncertain significance for Primary dilated cardiomyopathy. Last evaluated: 2022-06-10. Review status: criteria provided, single submitter. Criteria: Invitae Variant Classification Sherloc (09022015). Collection method: clinical testing. Allele origin: germline.
Comment: In summary, the available evidence is currently insufficient to determine the role of this variant in disease. Therefore, it has been classified as a Variant of Uncertain Significance. This variant has not been reported in the literature in individuals affected with NEBL-related conditions. This variant is not present in population databases (gnomAD no frequency). This sequence change affects a donor splice site in intron 21 of the NEBL gene. It is expected to disrupt RNA splicing. Variants that disrupt the donor or acceptor splice site typically lead to a loss of protein function (PMID: 16199547), however the current clinical and genetic evidence is not sufficient to establish whether loss-of-function variants in NEBL cause disease.

Literature cited by the submitters: PubMed 16199547.

NM_006393.3(NEBL):c.2148+2T>A

Genes: NEBL (nebulette; minus strand), LOC126860875 (MED14-independent group 3 enhancer GRCh37_chr10:21105746-21106945; plus strand). Cytogenetic location: 10p12.31.
Variant type: single nucleotide variant.
Coding change: c.2148+2T>A on transcript NM_006393.3 (MANE Select); the canonical splice donor site of the intron after coding-DNA position 2148, T replaced by A.
Molecular consequence: splice donor variant. On other transcripts: intron variant (9).
Genome position (GRCh38, 1-based): chr10:20,817,598, A>T on the plus strand (T>A on the coding strand, the complement: NEBL is on the minus strand). VCF-style: chr10-20817598-A-T. GRCh37 (hg19) VCF-style: chr10-21106527-A-T.
Other names: c.250-4658T>A (NM_001377326.1, NM_001377327.1, NM_001377328.1); c.358-4658T>A (NM_213569.2, NM_001173484.2, NM_001377322.1); c.301-4658T>A (NM_001377324.1); c.292-4658T>A (NM_001377325.1); c.310-4658T>A (NM_001377323.1).
Identifiers: ClinVar variation 2063531 (VCV002063531.4), dbSNP rs1838852451, ClinGen allele CA376094018.